The following is an entry in ClinVar:

ClinVar aggregate classification (germline): Pathogenic. Review status: criteria provided, single submitter (1 of 4 stars). 2 submissions from 2 submitters: Pathogenic (1). 1 of the submissions does not count toward it. Last evaluated 2024-02-22.

Conditions:
Neuronal ceroid lipofuscinosis 1 (CLN1). Also called: CEROID LIPOFUSCINOSIS, NEURONAL, 1, VARIABLE AGE AT ONSET; PPT1-Related Neuronal Ceroid-Lipofuscinosis. Identifiers: Orphanet 228329, MedGen C1850451, MONDO:0009744, OMIM 256730.

Submissions (2):

Labcorp Genetics (formerly Invitae), Labcorp
Classification: Pathogenic for Neuronal ceroid lipofuscinosis 1. Last evaluated: 2024-02-22. Review status: criteria provided, single submitter. Criteria: Invitae Variant Classification Sherloc (09022015). Collection method: clinical testing. Allele origin: germline.
Comment: This sequence change creates a premature translational stop signal (p.Gly113Aspfs*9) in the PPT1 gene. It is expected to result in an absent or disrupted protein product. Loss-of-function variants in PPT1 are known to be pathogenic (PMID: 10679943, 21990111). This variant is not present in population databases (gnomAD no frequency). This variant has not been reported in the literature in individuals affected with PPT1-related conditions. ClinVar contains an entry for this variant (Variation ID: 558294). For these reasons, this variant has been classified as Pathogenic.

Counsyl
Classification: Likely pathogenic for Neuronal ceroid lipofuscinosis 1. Last evaluated: 2018-05-11. Review status: no assertion criteria provided. Collection method: clinical testing. Allele origin: unknown. Not counted in ClinVar's aggregate classification.

Literature cited by the submitters: PubMed 10679943 (cited by Labcorp Genetics (formerly Invitae), Labcorp); PubMed 21990111 (cited by Labcorp Genetics (formerly Invitae), Labcorp).

NM_000310.4(PPT1):c.338del (p.Gly113fs)

Gene: PPT1 (palmitoyl-protein thioesterase 1; minus strand). Cytogenetic location: 1p34.2.
Variant type: Deletion.
Coding change: c.338del on transcript NM_000310.4 (MANE Select); coding-DNA position 338, one base deleted (G; older notation c.338delG).
Protein change: p.Gly113fs; shifts the reading frame from glycine 113.
Molecular consequence: frameshift variant. On other transcripts: intron variant (1).
Genome position (GRCh38, 1-based): chr1:40,092,069, C deleted on the plus strand (G on the coding strand, the reverse complement: PPT1 is on the minus strand); the first of 3 consecutive C bases (chr1:40,092,069-40,092,071); deleting any one gives the same sequence. VCF-style (leftmost placement, unchanged base first): chr1-40092068-TC-T. GRCh37 (hg19) VCF-style: chr1-40557740-TC-T.
Other names: c.338delG (NM_000310.3); c.338del, p.Gly113fs (NM_001363695.2); c.125-2557del (NM_001142604.2); short protein forms G113fs.
Identifiers: ClinVar variation 558294 (VCV000558294.4), dbSNP rs1553167474, ClinGen allele CA658821011.